The following is an entry in ClinVar:

ClinVar aggregate classification (germline): Uncertain significance. Review status: criteria provided, multiple submitters, no conflicts (2 of 4 stars). 2 submissions from 2 submitters: Uncertain significance (2). Last evaluated 2023-03-29.

Allele frequency attached by ClinVar (database versions not stated): ExAC 0.00006.
gnomAD v4.1: 25 of 1,613,514 alleles (0.0015%); highest among the groups gnomAD compares: South Asian, 0.025%; 1 homozygote.

Submissions (2):

Blueprint Genetics
Classification: Uncertain significance. Last evaluated: 2023-03-29. Review status: criteria provided, single submitter. Criteria: ACMG Guidelines, 2015. Collection method: clinical testing. Allele origin: germline.

Labcorp Genetics (formerly Invitae), Labcorp
Classification: Uncertain significance. Last evaluated: 2022-10-13. Review status: criteria provided, single submitter. Criteria: Invitae Variant Classification Sherloc (09022015). Collection method: clinical testing. Allele origin: germline.
Comment: This sequence change replaces histidine, which is basic and polar, with asparagine, which is neutral and polar, at codon 356 of the DHX38 protein (p.His356Asn). This variant is present in population databases (rs778359237, gnomAD 0.03%). This variant has not been reported in the literature in individuals affected with DHX38-related conditions. Advanced modeling of protein sequence and biophysical properties (such as structural, functional, and spatial information, amino acid conservation, physicochemical variation, residue mobility, and thermodynamic stability) performed at Invitae indicates that this missense variant is not expected to disrupt DHX38 protein function. In summary, the available evidence is currently insufficient to determine the role of this variant in disease. Therefore, it has been classified as a Variant of Uncertain Significance.

NM_014003.4(DHX38):c.1066C>A (p.His356Asn)

Gene: DHX38 (DEAH-box helicase 38; plus strand). Cytogenetic location: 16q22.2.
Variant type: single nucleotide variant.
Coding change: c.1066C>A on transcript NM_014003.4 (MANE Select); coding-DNA position 1066, C replaced by A.
Protein change: p.His356Asn; replaces histidine 356 with asparagine.
Molecular consequence: missense variant.
Genome position (GRCh38, 1-based): chr16:72,099,837, C>A. VCF-style: chr16-72099837-C-A. GRCh37 (hg19) VCF-style: chr16-72133736-C-A.
Other names: short protein forms H356N.
Identifiers: ClinVar variation 1902389 (VCV001902389.6), dbSNP rs778359237, ClinGen allele CA8160199.